The following is an entry in ClinVar:

NC_000002.11:g.(?_108604612)_(109579739_?)del

Genes: RANBP2 (RAN binding protein 2; plus strand), CCDC138 (coiled-coil domain containing 138; plus strand), EDAR (ectodysplasin A receptor; minus strand), GCC2 (GRIP and coiled-coil domain containing 2; plus strand), LIMS1 (LIM zinc finger domain containing 1; plus strand) and 4 more. Cytogenetic location: 2q12.3.
Variant type: Deletion.
Identifiers: ClinVar variation 2426740 (VCV002426740.4).

ClinVar aggregate classification (germline): Conflicting classifications of pathogenicity. Review status: criteria provided, conflicting classifications (1 of 4 stars). 2 submissions from 1 submitter: Pathogenic (1); Uncertain significance (1). Last evaluated 2023-09-29.

Conditions:
Ectodermal dysplasia 10A, hypohidrotic/hair/nail type, autosomal dominant (ECTD10A). Also called: Ectodermal Dysplasia 3, Anhidrotic. Identifiers: Orphanet 1810, Orphanet 238468, MedGen C3888065, MONDO:0007509, OMIM 129490.
Autosomal recessive hypohidrotic ectodermal dysplasia syndrome. Also called: Autosomal recessive hypohidrotic ectodermal dysplasia. Identifiers: Orphanet 248, MedGen C0406702, MONDO:0016619.
Familial acute necrotizing encephalopathy (IIAE3). Also called: ENCEPHALOPATHY, ACUTE, INFECTION-INDUCED, SUSCEPTIBILITY TO, 3; Susceptibility to Acute Necrotizing Encephalopathy 1. Identifiers: Orphanet 88619, MedGen C2675556, MONDO:0011953, OMIM 608033.

Submissions (2):

Labcorp Genetics (formerly Invitae), Labcorp
Classification: Uncertain significance for Familial acute necrotizing encephalopathy. Last evaluated: 2023-09-29. Review status: criteria provided, single submitter. Criteria: Invitae Variant Classification Sherloc (09022015). Collection method: clinical testing. Allele origin: unknown.
Comment: In summary, the available evidence is currently insufficient to determine the role of this variant in disease. Therefore, it has been classified as a Variant of Uncertain Significance. This variant has not been reported in the literature in individuals affected with RANBP2-related conditions. A gross deletion of the genomic region encompassing the full coding sequence of the RANBP2 gene has been identified. The current clinical and genetic evidence is not sufficient to establish whether loss-of-function variants in RANBP2 cause disease. The boundaries of this event are unknown as they extend beyond the assayed region for this gene and therefore may encompass additional genes.

Labcorp Genetics (formerly Invitae), Labcorp
Classification: Pathogenic for Ectodermal dysplasia 10A, hypohidrotic/hair/nail type, autosomal dominant; Autosomal recessive hypohidrotic ectodermal dysplasia syndrome. Last evaluated: 2022-05-16. Review status: criteria provided, single submitter. Criteria: Invitae Variant Classification Sherloc (09022015). Collection method: clinical testing. Allele origin: germline.
Comment: A gross deletion of the genomic region encompassing the full coding sequence of the EDAR gene has been identified. Loss-of-function variants in EDAR are known to be pathogenic (PMID: 10431241, 10431242, 20979233, 28981473). The boundaries of this event are unknown as they extend beyond the assayed region for this gene and therefore may encompass additional genes. Isolated whole-gene deletions of EDAR have not been reported in the literature. However, larger copy number events that include this gene have been reported (PMID: 18854857). For these reasons, this variant has been classified as Pathogenic.

Literature cited by the submitters: PubMed 10431241; PubMed 10431242; PubMed 20979233; PubMed 28981473; PubMed 18854857.